The following is an entry in ClinVar:

NM_000051.4(ATM):c.7670T>A (p.Leu2557Ter)

Genes: ATM (ATM serine/threonine kinase; plus strand), C11orf65 (chromosome 11 open reading frame 65; minus strand). Cytogenetic location: 11q22.3.
Variant type: single nucleotide variant.
Coding change: c.7670T>A on transcript NM_000051.4 (MANE Select); coding-DNA position 7670, T replaced by A.
Protein change: p.Leu2557Ter; replaces leucine 2557 with a stop codon.
Molecular consequence: nonsense. On other transcripts: intron variant (2).
Genome position (GRCh38, 1-based): chr11:108,331,919, T>A. VCF-style: chr11-108331919-T-A. GRCh37 (hg19) VCF-style: chr11-108202646-T-A.
Other names: c.*38+3301A>T (NM_001351110.2); c.7670T>A, p.Leu2557Ter (NM_001351834.2); c.641-22848A>T (NM_001330368.2); short protein forms L2557*.
Identifiers: ClinVar variation 958877 (VCV000958877.9), dbSNP rs2086293039, ClinGen allele CA382560969.

ClinVar aggregate classification (germline): Pathogenic. Review status: criteria provided, multiple submitters, no conflicts (2 of 4 stars). 2 submissions from 2 submitters: Pathogenic (2). Last evaluated 2026-01-13.

Conditions:
Ataxia-telangiectasia syndrome (AT). Also called: Ataxia-telangiectasia, complementation group D; AT, COMPLEMENTATION GROUP C; ATAXIA-TELANGIECTASIA, COMPLEMENTATION GROUP A; ATAXIA-TELANGIECTASIA, FRESNO VARIANT; Ataxia-telangiectasia; Ataxia telangiectasia (A-T). Identifiers: Orphanet 100, MedGen C0004135, MONDO:0008840, OMIM 208900.
Familial cancer of breast. Also called: Hereditary breast cancer; hereditary breast carcinoma; BREAST CANCER, FAMILIAL. Identifiers: Orphanet 227535, MedGen C0346153, MONDO:0016419, OMIM 114480. Disease mechanism: loss of function.

Submissions (2):

Labcorp Genetics (formerly Invitae), Labcorp
Classification: Pathogenic for Ataxia-telangiectasia syndrome. Last evaluated: 2026-01-13. Review status: criteria provided, single submitter. Criteria: Invitae Variant Classification Sherloc (09022015). Collection method: clinical testing. Allele origin: germline.
Comment: This sequence change creates a premature translational stop signal (p.Leu2557*) in the ATM gene. It is expected to result in an absent or disrupted protein product. Loss-of-function variants in ATM are known to be pathogenic (PMID: 23807571, 25614872). This variant is not present in population databases (gnomAD no frequency). This variant has not been reported in the literature in individuals affected with ATM-related conditions. ClinVar contains an entry for this variant (Variation ID: 958877). Algorithms developed to predict the effect of sequence changes on RNA splicing suggest that this variant may disrupt the consensus splice site. For these reasons, this variant has been classified as Pathogenic.

Myriad Genetics, Inc.
Classification: Pathogenic for Familial cancer of breast. Last evaluated: 2024-01-31. Review status: criteria provided, single submitter. Criteria: Myriad Autosomal Dominant, Autosomal Recessive and X-Linked Classification Criteria (2023). Collection method: clinical testing. Allele origin: unknown.
Comment: This variant is considered pathogenic. This variant creates a termination codon and is predicted to result in premature protein truncation.

Literature cited by the submitters: PubMed 23807571 (cited by Labcorp Genetics (formerly Invitae), Labcorp); PubMed 25614872 (cited by Labcorp Genetics (formerly Invitae), Labcorp).